The following is an entry in ClinVar:

ClinVar aggregate classification (germline): Uncertain significance. Review status: criteria provided, multiple submitters, no conflicts (2 of 4 stars). 2 submissions from 2 submitters: Uncertain significance (2). Last evaluated 2024-06-07.

Allele frequency attached by ClinVar (database versions not stated): ExAC 0.00001; gnomAD 0.00001; gnomAD exomes 0.00001; TOPMed 0.00001.
gnomAD v4.1: 13 of 1,612,260 alleles (0.00081%); highest among the groups gnomAD compares: Non-Finnish European, 0.0011%; no homozygotes.

Submissions (2):

Blueprint Genetics
Classification: Uncertain significance. Last evaluated: 2024-06-07. Review status: criteria provided, single submitter. Criteria: ACMG Guidelines, 2015. Collection method: clinical testing. Allele origin: germline.

Labcorp Genetics (formerly Invitae), Labcorp
Classification: Uncertain significance. Last evaluated: 2021-08-20. Review status: criteria provided, single submitter. Criteria: Invitae Variant Classification Sherloc (09022015). Collection method: clinical testing. Allele origin: germline.
Comment: This sequence change replaces tryptophan with arginine at codon 576 of the SLC34A1 protein (p.Trp576Arg). The tryptophan residue is highly conserved and there is a moderate physicochemical difference between tryptophan and arginine. This variant is present in population databases (rs754233417, ExAC 0.002%). This missense change has been observed in individual(s) with SLC34A1-related conditions (Invitae). Algorithms developed to predict the effect of missense changes on protein structure and function are either unavailable or do not agree on the potential impact of this missense change (SIFT: "Deleterious"; PolyPhen-2: "Possibly Damaging"; Align-GVGD: "Class C0"). In summary, the available evidence is currently insufficient to determine the role of this variant in disease. Therefore, it has been classified as a Variant of Uncertain Significance.

NM_003052.5(SLC34A1):c.1726T>A (p.Trp576Arg)

Gene: SLC34A1 (solute carrier family 34 member 1; plus strand). Cytogenetic location: 5q35.3.
Variant type: single nucleotide variant.
Coding change: c.1726T>A on transcript NM_003052.5 (MANE Select); coding-DNA position 1726, T replaced by A.
Protein change: p.Trp576Arg; replaces tryptophan 576 with arginine.
Molecular consequence: missense variant.
Genome position (GRCh38, 1-based): chr5:177,398,092, T>A. VCF-style: chr5-177398092-T-A. GRCh37 (hg19) VCF-style: chr5-176825093-T-A.
Other names: short protein forms W576R.
Identifiers: ClinVar variation 999874 (VCV000999874.3), dbSNP rs754233417, ClinGen allele CA3580873.